The following is an entry in ClinVar:

ClinVar aggregate classification (germline): Benign (1 of 4 stars; one submission).

Allele frequency attached by ClinVar (database versions not stated): 1000 Genomes Project 30x 0.05309; TOPMed 0.05354; gnomAD 0.05381; 1000 Genomes Project 0.05551.
gnomAD v4.1: 8,231 of 152,220 alleles (5.4%); highest among the groups gnomAD compares: Middle Eastern, 12%; 285 homozygotes.

Submission:

GeneDx
Classification: Benign. Last evaluated: 2018-06-14. Review status: criteria provided, single submitter. Criteria: GeneDx Variant Classification (06012015). Collection method: clinical testing. Allele origin: germline. Affected: yes.
Comment: This variant is considered likely benign or benign based on one or more of the following criteria: it is a conservative change, it occurs at a poorly conserved position in the protein, it is predicted to be benign by multiple in silico algorithms, and/or has population frequency not consistent with disease.

NM_001103.4(ACTN2):c.241+302G>T

Gene: ACTN2 (actinin alpha 2; plus strand). Cytogenetic location: 1q43.
Variant type: single nucleotide variant.
Coding change: c.241+302G>T on transcript NM_001103.4 (MANE Select); 302 bases into the intron after coding-DNA position 241, G replaced by T.
Molecular consequence: intron variant.
Genome position (GRCh38, 1-based): chr1:236,718,274, G>T. VCF-style: chr1-236718274-G-T. GRCh37 (hg19) VCF-style: chr1-236881574-G-T.
Other names: c.241+302G>T (NM_001278343.2); c.-581+302G>T (NM_001278344.2).
Identifiers: ClinVar variation 669415 (VCV000669415.1), dbSNP rs34397827, ClinGen allele CA10915817.